The following is an entry in ClinVar:

ClinVar aggregate classification (germline): Likely benign. Review status: criteria provided, multiple submitters, no conflicts (2 of 4 stars). 2 submissions from 2 submitters: Likely benign (2). Last evaluated 2026-07-01.

Allele frequency attached by ClinVar (database versions not stated): gnomAD 0.00007 and 0.00008; TOPMed 0.00007; ESP Exome Variant Server 0.00023.
gnomAD v4.1: 83 of 1,612,700 alleles (0.0051%); highest among the groups gnomAD compares: African/African-American, 0.008%; no homozygotes.

Submissions (2):

CeGaT Center for Human Genetics Tuebingen
Classification: Likely benign. Last evaluated: 2026-07-01. Review status: criteria provided, single submitter. Criteria: CeGaT Center For Human Genetics Tuebingen Variant Classification Criteria Version 2. Collection method: clinical testing. Allele origin: germline. Affected: yes. Observed: 1 variant allele.
Comment: GRM7: BP4, BP7

Labcorp Genetics (formerly Invitae), Labcorp
Classification: Likely benign. Last evaluated: 2019-12-31. Review status: criteria provided, single submitter. Criteria: Invitae Variant Classification Sherloc (09022015). Collection method: clinical testing. Allele origin: germline.

NM_000844.4(GRM7):c.1131G>A (p.Thr377=)

Gene: GRM7 (glutamate metabotropic receptor 7; plus strand). Cytogenetic location: 3p26.1.
Variant type: single nucleotide variant.
Coding change: c.1131G>A on transcript NM_000844.4 (MANE Select); coding-DNA position 1131, G replaced by A.
Protein change: p.Thr377=; no amino-acid change (threonine 377 retained).
Molecular consequence: synonymous variant.
Genome position (GRCh38, 1-based): chr3:7,415,120, G>A. VCF-style: chr3-7415120-G-A. GRCh37 (hg19) VCF-style: chr3-7456807-G-A.
Other names: c.1131G>A, p.Thr377= (NM_181874.3).
Identifiers: ClinVar variation 756778 (VCV000756778.5), dbSNP rs139183375, ClinGen allele CA2234789.